The following is an entry in ClinVar:

ClinVar aggregate classification (germline): Uncertain significance (1 of 4 stars; one submission).

Submission:

Quest Diagnostics Nichols Institute San Juan Capistrano
Classification: Uncertain significance. Last evaluated: 2024-10-24. Review status: criteria provided, single submitter. Criteria: Quest Diagnostics criteria. Collection method: clinical testing. Allele origin: unknown.
Comment: The MRE11 c.1470T>G (p.Ile490Met) variant has not been reported in individuals with MRE11-related conditions in the published literature. It also has not been reported in large, multi-ethnic general populations (Genome Aggregation Database). Analysis of this variant using bioinformatics tools for the prediction of the effect of amino acid changes on protein structure and function yielded conflicting predictions that this variant is benign or damaging. Based on the available information, we are unable to determine the clinical significance of this variant.

NM_005591.4(MRE11):c.1470T>G (p.Ile490Met)

Gene: MRE11 (MRE11 homolog, double strand break repair nuclease; minus strand). Cytogenetic location: 11q21.
Variant type: single nucleotide variant.
Coding change: c.1470T>G on transcript NM_005591.4 (MANE Select); coding-DNA position 1470, T replaced by G.
Protein change: p.Ile490Met; replaces isoleucine 490 with methionine.
Molecular consequence: missense variant.
Genome position (GRCh38, 1-based): chr11:94,459,438, A>C on the plus strand (T>G on the coding strand, the complement: MRE11 is on the minus strand). VCF-style: chr11-94459438-A-C. GRCh37 (hg19) VCF-style: chr11-94192604-A-C.
Other names: c.1470T>G, p.Ile490Met (NM_001330347.2, NM_005590.4); short protein forms I490M.
Identifiers: ClinVar variation 3572250 (VCV003572250.1).